The following is an entry in ClinVar:

NM_006517.5(SLC16A2):c.163C>A (p.Pro55Thr)

Gene: SLC16A2 (solute carrier family 16 member 2; plus strand). Cytogenetic location: Xq13.2.
Variant type: single nucleotide variant.
Coding change: c.163C>A on transcript NM_006517.5 (MANE Select); coding-DNA position 163, C replaced by A.
Protein change: p.Pro55Thr; replaces proline 55 with threonine.
Molecular consequence: missense variant.
Genome position (GRCh38, 1-based): chrX:74,421,800, C>A. VCF-style: chrX-74421800-C-A. GRCh37 (hg19) VCF-style: chrX-73641635-C-A.
Other names: short protein forms P55T.
Identifiers: ClinVar variation 2763069 (VCV002763069.2), dbSNP rs780311825, ClinGen allele CA10454379.
Genomic context (GRCh38, chrX:74,421,800, plus strand): 5'-CCGGAGCCTGAGCCCGAGCCCGAGCCCGTGCCAGTGCCCCCGCCCGAGCCCCAGCCGGAG[C>A]CCCAGCCCCTACCGGACCCCGCACCCCTGCCGGAGCTGGAGTTCGAGTCCGAGCGGGTGC-3'
Protein context (NP_006508.2, residues 45-65): PVPPPEPQPE[Pro55Thr]QPLPDPAPLP

ClinVar aggregate classification (germline): Uncertain significance (1 of 4 stars; one submission).

Conditions:
Spastic paraplegia. Identifiers: MedGen C0037772, HP:0001258.

gnomAD v4.1: 5 of 1,157,500 alleles (0.00043%); highest among the groups gnomAD compares: Non-Finnish European, 0.00058%; no homozygotes.

Submission:

Labcorp Genetics (formerly Invitae), Labcorp
Classification: Uncertain significance for Spastic paraplegia. Last evaluated: 2023-11-28. Review status: criteria provided, single submitter. Criteria: Invitae Variant Classification Sherloc (09022015). Collection method: clinical testing. Allele origin: germline.
Comment: This sequence change replaces proline, which is neutral and non-polar, with threonine, which is neutral and polar, at codon 55 of the SLC16A2 protein (p.Pro55Thr). This variant is not present in population databases (gnomAD no frequency). This variant has not been reported in the literature in individuals affected with SLC16A2-related conditions. Advanced modeling of protein sequence and biophysical properties (such as structural, functional, and spatial information, amino acid conservation, physicochemical variation, residue mobility, and thermodynamic stability) has been performed at Invitae for this missense variant, however the output from this modeling did not meet the statistical confidence thresholds required to predict the impact of this variant on SLC16A2 protein function. In summary, the available evidence is currently insufficient to determine the role of this variant in disease. Therefore, it has been classified as a Variant of Uncertain Significance.